The following is an entry in ClinVar:

NM_001001957.2(OR2W3):c.233del (p.Ile78fs)

Gene: OR2W3 (olfactory receptor family 2 subfamily W member 3; plus strand). Cytogenetic location: 1q44.
Variant type: Deletion.
Coding change: c.233del on transcript NM_001001957.2 (MANE Select); coding-DNA position 233, one base deleted (T; older notation c.233delT).
Protein change: p.Ile78fs; shifts the reading frame from isoleucine 78.
Molecular consequence: frameshift variant.
Genome position (GRCh38, 1-based): chr1:247,895,819, T deleted. VCF-style (leftmost placement, unchanged base first): chr1-247895818-AT-A. GRCh37 (hg19) VCF-style: chr1-248059120-AT-A.
Other names: short protein forms I78fs.
Identifiers: ClinVar variation 3011330 (VCV003011330.3), dbSNP rs747700803, ClinGen allele CA1498548.

ClinVar aggregate classification (germline): Uncertain significance (1 of 4 stars; one submission).

Allele frequency attached by ClinVar (database versions not stated): gnomAD exomes below 0.00001; ExAC 0.00001; gnomAD 0.00001; TOPMed 0.00002; ESP Exome Variant Server 0.00008.

Submission:

Labcorp Genetics (formerly Invitae), Labcorp
Classification: Uncertain significance. Last evaluated: 2024-03-19. Review status: criteria provided, single submitter. Criteria: Invitae Variant Classification Sherloc (09022015). Collection method: clinical testing. Allele origin: germline.
Comment: This sequence change creates a premature translational stop signal (p.Ile78Thrfs*57) in the OR2W3 gene. While this is not anticipated to result in nonsense mediated decay, it is expected to disrupt the last 237 amino acid(s) of the OR2W3 protein. This variant is present in population databases (rs747700803, gnomAD 0.0009%). This variant has not been reported in the literature in individuals affected with OR2W3-related conditions. In summary, the available evidence is currently insufficient to determine the role of this variant in disease. Therefore, it has been classified as a Variant of Uncertain Significance.